The following is an entry in ClinVar:

NM_015474.4(SAMHD1):c.427C>T (p.Arg143Cys)

Gene: SAMHD1 (SAM and HD domain containing deoxynucleoside triphosphate triphosphohydrolase 1; minus strand). Cytogenetic location: 20q11.23.
Variant type: single nucleotide variant.
Coding change: c.427C>T on transcript NM_015474.4 (MANE Select); coding-DNA position 427, C replaced by T.
Protein change: p.Arg143Cys; replaces arginine 143 with cysteine.
Molecular consequence: missense variant.
Genome position (GRCh38, 1-based): chr20:36,935,111, G>A on the plus strand (C>T on the coding strand, the complement: SAMHD1 is on the minus strand). VCF-style: chr20-36935111-G-A. GRCh37 (hg19) VCF-style: chr20-35563514-G-A.
Other names: c.427C>T, p.Arg143Cys (NM_001363729.2, NM_001363733.2); short protein forms R143C.
Identifiers: ClinVar variation 30604 (VCV000030604.7), dbSNP rs387906948, ClinGen allele CA342741.
Genomic context (GRCh38, chr20:36,935,111, plus strand): 5'-TGTGTGAAGCTCCTGGAAAAACATAGTAACCACCTCCCAGCTGTTTGATGTATCGAAGAC[G>A]TTGAAATTGAGGTGTATCAATGATTCGGACGAGGAGAGGGTGGAGCTCAATGTGGCCATG-3'
Protein context (NP_056289.2, residues 133-153): VRIIDTPQFQ[Arg143Cys]LRYIKQLGGG

ClinVar aggregate classification (germline): Pathogenic/Likely pathogenic. Review status: criteria provided, multiple submitters, no conflicts (2 of 4 stars). 5 submissions from 5 submitters: Pathogenic (1); Likely pathogenic (2). 2 of the submissions do not count toward it. Last evaluated 2025-12-10.

Conditions:
Prostate cancer susceptibility. Also called: PROSTATE CANCER, SUSCEPTIBILITY TO. Identifiers: MedGen C3469524.
Aicardi-Goutieres syndrome 5. Identifiers: Orphanet 51, MedGen C2749659, MONDO:0013059, OMIM 612952.
Aicardi Goutieres syndrome (AGS). Also called: Encephalopathy, familial infantile, with calcification of basal ganglia and chronic cerebrospinal fluid lymphocytosis. Identifiers: Orphanet 51, MedGen C0393591, MONDO:0018866.

Allele frequency attached by ClinVar (database versions not stated): gnomAD exomes 0.00002 and 0.00001.
gnomAD v4.1: 37 of 1,613,866 alleles (0.0023%); highest among the groups gnomAD compares: Non-Finnish European, 0.003%; no homozygotes.

Submissions (5):

Labcorp Genetics (formerly Invitae), Labcorp
Classification: Pathogenic for Aicardi-Goutieres syndrome 5. Last evaluated: 2025-12-10. Review status: criteria provided, single submitter. Criteria: Invitae Variant Classification Sherloc (09022015). Collection method: clinical testing. Allele origin: germline.
Comment: This sequence change replaces arginine, which is basic and polar, with cysteine, which is neutral and slightly polar, at codon 143 of the SAMHD1 protein (p.Arg143Cys). This variant is present in population databases (rs387906948, gnomAD 0.0009%). This missense change has been observed in individual(s) with Aicardi-Goutieres syndrome (PMID: 19525956). In at least one individual the data is consistent with being in trans (on the opposite chromosome) from a pathogenic variant. ClinVar contains an entry for this variant (Variation ID: 30604). Invitae Evidence Modeling of protein sequence and biophysical properties (such as structural, functional, and spatial information, amino acid conservation, physicochemical variation, residue mobility, and thermodynamic stability) indicates that this missense variant is expected to disrupt SAMHD1 protein function with a positive predictive value of 95%. Experimental studies have shown that this missense change affects SAMHD1 function (PMID: 26431200, 28229507). This variant disrupts the p.Arg143 amino acid residue in SAMHD1. Other variant(s) that disrupt this residue have been determined to be pathogenic (PMID: 19525956, 28229507, 29379009, 33683010; internal data). This suggests that this residue is clinically significant, and that variants that disrupt this residue are likely to be disease-causing. For these reasons, this variant has been classified as Pathogenic.

Department of Clinical Genetics, Copenhagen University Hospital, Rigshospitalet
Classification: Likely pathogenic for Aicardi-Goutieres syndrome 5; Prostate cancer susceptibility. Last evaluated: 2025-11-18. Review status: criteria provided, single submitter. Criteria: ACMG Guidelines, 2015. Collection method: clinical testing. Allele origin: germline. Affected: yes.
Comment: The following ACMG criteria has been used: PP3_MOD; PS3_MOD; PM3_SUP; PS1_SUP

Natera, Inc.
Classification: Likely pathogenic for Aicardi-Goutieres syndrome. Last evaluated: 2025-06-30. Review status: criteria provided, single submitter. Criteria: Natera Variant Classification Schema (03/2026). Collection method: clinical testing. Allele origin: germline.
Comment: The c.427C>T variant in SAMHD1 is a missense variant predicted to cause substitution of arginine to cysteine at amino acid 143. This variant is rare in the general population with a frequency below the threshold expected for the associated phenotype(s). This variant has been observed in one or more individuals affected with the associated recessive disease, as either homozygous or compound heterozygous with a second variant (PMID: 19525956, 35547545). A different variant at the same position has been determined to be Pathogenic or Likely Pathogenic. Computational prediction algorithms indicate this variant is likely to affect gene or protein function. Given the available evidence, this variant is classified as Likely Pathogenic.

OMIM
Classification: Pathogenic for AICARDI-GOUTIERES SYNDROME 5. Last evaluated: 2009-07-01. Review status: no assertion criteria provided. Collection method: literature only. Allele origin: germline. Not counted in ClinVar's aggregate classification.

GeneReviews
No classification provided. Condition: Aicardi-Goutieres syndrome 5. Review status: no classification provided. Collection method: literature only. Allele origin: germline. Affected: yes. Not counted in ClinVar's aggregate classification.

Literature cited by the submitters: PubMed 19525956 (cited by 4 submitters); PubMed 26431200 (cited by Labcorp Genetics (formerly Invitae), Labcorp and Department of Clinical Genetics, Copenhagen University Hospital, Rigshospitalet); PubMed 28229507 (cited by Labcorp Genetics (formerly Invitae), Labcorp and Department of Clinical Genetics, Copenhagen University Hospital, Rigshospitalet); PubMed 29379009 (cited by Labcorp Genetics (formerly Invitae), Labcorp and Department of Clinical Genetics, Copenhagen University Hospital, Rigshospitalet); PubMed 33683010 (cited by Labcorp Genetics (formerly Invitae), Labcorp and Department of Clinical Genetics, Copenhagen University Hospital, Rigshospitalet); PubMed 35547545 (cited by Natera, Inc.); NCBI Bookshelf NBK1475 (cited by GeneReviews).